The following is an entry in ClinVar:

NM_018489.3(ASH1L):c.3862A>G (p.Ile1288Val)

Gene: ASH1L (ASH1 like histone lysine methyltransferase; minus strand). Cytogenetic location: 1q22.
Variant type: single nucleotide variant.
Coding change: c.3862A>G on transcript NM_018489.3 (MANE Select); coding-DNA position 3862, A replaced by G.
Protein change: p.Ile1288Val; replaces isoleucine 1288 with valine.
Molecular consequence: missense variant.
Genome position (GRCh38, 1-based): chr1:155,479,008, T>C on the plus strand (A>G on the coding strand, the complement: ASH1L is on the minus strand). VCF-style: chr1-155479008-T-C. GRCh37 (hg19) VCF-style: chr1-155448799-T-C.
Other names: c.3862A>G, p.Ile1288Val (NM_001366177.2); short protein forms I1288V.
Identifiers: ClinVar variation 1675383 (VCV001675383.33), dbSNP rs1280289463, ClinGen allele CA342707729.

ClinVar aggregate classification (germline): Likely benign (1 of 4 stars; one submission).

Allele frequency attached by ClinVar (database versions not stated): gnomAD exomes below 0.00001 and 0.00001.
gnomAD v4.1: 1 of 1,613,820 alleles (0.000062%); no homozygotes.

Submission:

CeGaT Center for Human Genetics Tuebingen
Classification: Likely benign. Last evaluated: 2022-03-01. Review status: criteria provided, single submitter. Criteria: CeGaT Center For Human Genetics Tuebingen Variant Classification Criteria Version 2. Collection method: clinical testing. Allele origin: germline. Affected: yes. Observed: 1 variant allele.
Comment: ASH1L: PP2, BP4, BS2